The following is an entry in ClinVar:

NM_001289808.2(CRYAB):c.10G>A (p.Ala4Thr)

Gene: CRYAB (crystallin alpha B; minus strand). Cytogenetic location: 11q23.1.
Variant type: single nucleotide variant.
Coding change: c.10G>A on transcript NM_001289808.2 (MANE Select); coding-DNA position 10, G replaced by A.
Protein change: p.Ala4Thr; replaces alanine 4 with threonine.
Molecular consequence: missense variant.
Genome position (GRCh38, 1-based): chr11:111,911,715, C>T on the plus strand (G>A on the coding strand, the complement: CRYAB is on the minus strand). VCF-style: chr11-111911715-C-T. GRCh37 (hg19) VCF-style: chr11-111782439-C-T.
Other names: c.10G>A, p.Ala4Thr (NM_001289807.1, NM_001368245.1, NM_001885.3); short protein forms A4T.
Identifiers: ClinVar variation 931448 (VCV000931448.16), dbSNP rs1264081192, ClinGen allele CA16622110.
Genomic context (GRCh38, chr11:111,911,715, plus strand): 5'-AGAGGCGGCTGGGGGAGTGGAAAGGAAAGAAGGGGCGGCGGATCCAGGGGTGGTGGATGG[C>T]GATGTCCATGGTGGCTAGGTGAGTGTGAGGGGTCAGCTGGCTGGTCAGCTCCTTCAGCTG-3'
Protein context (NP_001276737.1, residues 1-14): MDI[Ala4Thr]IHHPWIRRPF

ClinVar aggregate classification (germline): Uncertain significance. Review status: criteria provided, multiple submitters, no conflicts (2 of 4 stars). 3 submissions from 3 submitters: Uncertain significance (3). Last evaluated 2024-05-09.

Conditions:
Dilated cardiomyopathy 1II (CMD1II). Identifiers: Orphanet 154, MedGen C3554649, MONDO:0014073, OMIM 615184.
Cardiovascular phenotype. Identifiers: MedGen CN230736.
Cataract 16 multiple types. Also called: CATARACT 16, POSTERIOR POLAR; CATARACT 16, CONGENITAL LAMELLAR; CATARACT, CONGENITAL LAMELLAR. Identifiers: Orphanet 91492, Orphanet 98992, Orphanet 98993, Orphanet 98995, MedGen C3808377, MONDO:0013411, OMIM 613763.

Allele frequency attached by ClinVar (database versions not stated): gnomAD 0.00001; TOPMed 0.00001.
gnomAD v4.1: 12 of 1,584,966 alleles (0.00076%); highest among the groups gnomAD compares: East Asian, 0.0023%; no homozygotes.

Submissions (3):

Labcorp Genetics (formerly Invitae), Labcorp
Classification: Uncertain significance for Dilated cardiomyopathy 1II. Last evaluated: 2024-05-09. Review status: criteria provided, single submitter. Criteria: Invitae Variant Classification Sherloc (09022015). Collection method: clinical testing. Allele origin: germline.
Comment: This sequence change replaces alanine, which is neutral and non-polar, with threonine, which is neutral and polar, at codon 4 of the CRYAB protein (p.Ala4Thr). This variant is not present in population databases (gnomAD no frequency). This variant has not been reported in the literature in individuals affected with CRYAB-related conditions. ClinVar contains an entry for this variant (Variation ID: 931448). An algorithm developed to predict the effect of missense changes on protein structure and function (PolyPhen-2) suggests that this variant¬†is likely to be tolerated. In summary, the available evidence is currently insufficient to determine the role of this variant in disease. Therefore, it has been classified as a Variant of Uncertain Significance.

Ambry Genetics
Classification: Uncertain significance for Cardiovascular phenotype. Last evaluated: 2019-08-13. Review status: criteria provided, single submitter. Criteria: Ambry Variant Classification Scheme 2023. Collection method: clinical testing. Allele origin: germline.
Comment: The p.A4T variant (also known as c.10G>A), located in coding exon 1 of the CRYAB gene, results from a G to A substitution at nucleotide position 10. The alanine at codon 4 is replaced by threonine, an amino acid with similar properties. This amino acid position is well conserved in available vertebrate species. In addition, this alteration is predicted to be tolerated by in silico analysis. Since supporting evidence is limited at this time, the clinical significance of this alteration remains unclear.

Centre for Mendelian Genomics, University Medical Centre Ljubljana
Classification: Uncertain significance for Cataract 16 multiple types. Last evaluated: 2016-01-01. Review status: criteria provided, single submitter. Criteria: ACMG Guidelines, 2015. Collection method: clinical testing. Allele origin: unknown. Affected: yes.
Comment: This variant was classified as: Uncertain significance. The following ACMG criteria were applied in classifying this variant: PM2.